The following is an entry in ClinVar:

NM_000091.5(COL4A3):c.1575+2dup

Genes: COL4A3 (collagen type IV alpha 3 chain; plus strand), MFF-DT (MFF divergent transcript; minus strand). Cytogenetic location: 2q36.3.
Variant type: Duplication.
Coding change: c.1575+2dup on transcript NM_000091.5 (MANE Select); the canonical splice donor site of the intron after coding-DNA position 1575, one base duplicated (T; older notation c.1575+2dupT).
Molecular consequence: splice donor variant.
Genome position (GRCh38, 1-based): chr2:227,269,982, T duplicated. VCF-style (leftmost placement, unchanged base first): chr2-227269981-G-GT. GRCh37 (hg19) VCF-style: chr2-228134697-G-GT.
Other names: c.1575+1_1575+2insT (NM_000091.5).
Identifiers: ClinVar variation 3377669 (VCV003377669.3).

ClinVar aggregate classification (germline): Likely pathogenic. Review status: criteria provided, multiple submitters, no conflicts (2 of 4 stars). 2 submissions from 2 submitters: Likely pathogenic (2). Last evaluated 2023-06-22.

Conditions:
Autosomal recessive Alport syndrome (ATS2). Also called: COL4A4 Alport Syndrome and Thin Basement Membrane Nephropathy; ALPORT SYNDROME 2, AUTOSOMAL RECESSIVE; Alport syndrome type 2; COL4A3-Related Nephropathy. Identifiers: Orphanet 63, Orphanet 88919, MedGen C4746745, MONDO:0008762, OMIM 203780.
Autosomal dominant Alport syndrome (ATS3A). Also called: Alport syndrome dominant type; Renal failure and sensorineural hearing loss; ALPORT SYNDROME 3A, AUTOSOMAL DOMINANT. Identifiers: Orphanet 63, Orphanet 88918, MedGen C5882663, MONDO:0007086, OMIM 104200.

Submissions (2):

Neuberg Centre For Genomic Medicine, NCGM
Classification: Likely pathogenic for Autosomal recessive Alport syndrome. Last evaluated: 2023-06-22. Review status: criteria provided, single submitter. Criteria: ACMG Guidelines, 2015. Collection method: clinical testing. Allele origin: germline. Inheritance: Autosomal recessive inheritance. Affected: yes.
Comment: The observed splice donor c.1575+2dup variant in COL4A3 gene has not been reported previously as a pathogenic variant nor as a benign variant, to our knowledge. This variant is reported with the allele frequency of 0.0004% in the gnomAD Exomes. The variant affects the GT donor splice site downstream of exon 24. This variant is predicted to cause loss of normal protein function through protein truncation. Loss of function variants have been previously reported to be disease causing. The spliceAI tool predicts that this splice site variant is damaging. For these reasons, this variant has been classified as Likely Pathogenic. In the absence of variant status in spouse, the molecular diagnosis is not confirmed.

Genetics laboratory, Institute of Kidney Diseases & Research Centre Dr. H.L. Trivedi Institute Of Transplantation Sciences
Classification: Likely pathogenic for Autosomal dominant Alport syndrome. Review status: criteria provided, single submitter. Criteria: ACMG Guidelines, 2015. Collection method: clinical testing. Allele origin: germline. Inheritance: Autosomal dominant inheritance. Affected: yes. Observed: 1 variant allele, 1 heterozygote.
Comment: The COL4A3 variant c.1575+1_1575+2insT is classified as Likely Pathogenic based on ACMG criteria. The variant affects the canonical splice donor site and is predicted to disrupt normal RNA splicing, resulting in loss of function, a known disease mechanism in COL4A3-related disorders.